The following is an entry in ClinVar:

NM_000400.4(ERCC2):c.446A>T (p.Asp149Val)

Gene: ERCC2 (ERCC excision repair 2, TFIIH core complex helicase subunit; minus strand). Cytogenetic location: 19q13.32.
Variant type: single nucleotide variant.
Coding change: c.446A>T on transcript NM_000400.4 (MANE Select); coding-DNA position 446, A replaced by T.
Protein change: p.Asp149Val; replaces aspartic acid 149 with valine.
Molecular consequence: missense variant.
Genome position (GRCh38, 1-based): chr19:45,365,073, T>A on the plus strand (A>T on the coding strand, the complement: ERCC2 is on the minus strand). VCF-style: chr19-45365073-T-A. GRCh37 (hg19) VCF-style: chr19-45868331-T-A.
Other names: c.374A>T, p.Asp125Val (NM_001130867.2); short protein forms D125V, D149V.
Identifiers: ClinVar variation 1740812 (VCV001740812.2), dbSNP rs2514034905, ClinGen allele CA406375903.

ClinVar aggregate classification (germline): Uncertain significance (1 of 4 stars; one submission).

Conditions:
Inborn genetic diseases. Identifiers: MedGen C0950123, MeSH D030342.

Submission:

Ambry Genetics
Classification: Uncertain significance for Inborn genetic diseases. Last evaluated: 2021-11-22. Review status: criteria provided, single submitter. Criteria: Ambry Variant Classification Scheme 2023. Collection method: clinical testing. Allele origin: germline.
Comment: The p.D149V variant (also known as c.446A>T), located in coding exon 6 of the ERCC2 gene, results from an A to T substitution at nucleotide position 446. The aspartic acid at codon 149 is replaced by valine, an amino acid with highly dissimilar properties. This amino acid position is conserved. In addition, this alteration is predicted to be deleterious by in silico analysis. Since supporting evidence is limited at this time, the clinical significance of this alteration remains unclear.